The following is an entry in ClinVar:

ClinVar aggregate classification (germline): Likely pathogenic. Review status: criteria provided, single submitter (1 of 4 stars). 2 submissions from 2 submitters: Likely pathogenic (1). 1 of the submissions does not count toward it. Last evaluated 2019-01-10.

Conditions:
Microcephaly 24, primary, autosomal recessive. Identifiers: MedGen C4748555, MONDO:0032583, OMIM 618179.

Allele frequency attached by ClinVar (database versions not stated): gnomAD below 0.00001 and 0.00001; ExAC 0.00001; gnomAD exomes 0.00001.
gnomAD v4.1: 9 of 1,612,970 alleles (0.00056%); highest among the groups gnomAD compares: South Asian, 0.0033%; no homozygotes.

Submissions (2):

SIB Swiss Institute of Bioinformatics
Classification: Likely pathogenic for Microcephaly 24, primary, autosomal recessive. Last evaluated: 2019-01-10. Review status: criteria provided, single submitter. Criteria: ACMG Guidelines, 2015. Collection method: curation. Allele origin: unknown.
Comment: This variant is interpreted as a Likely pathogenic for Microcephaly 24, primary, autosomal recessive. The following ACMG Tag(s) were applied: PM2 => Absent from controls (or at extremely low frequency if recessive) in Exome Sequencing Project, 1000 Genomes Project, or Exome Aggregation Consortium. PS3 => Well-established functional studies show a deleterious effect (PMID:30179222).

ClinGen:CA6747508

OMIM
Classification: Pathogenic for MICROCEPHALY 24, PRIMARY, AUTOSOMAL RECESSIVE (1 family). Last evaluated: 2018-11-13. Review status: no assertion criteria provided. Collection method: literature only. Allele origin: germline. Not counted in ClinVar's aggregate classification.

Literature cited by the submitters: PubMed 30179222 (cited by SIB Swiss Institute of Bioinformatics and OMIM).

NM_024057.4(NUP37):c.916C>T (p.Arg306Ter)

Gene: NUP37 (nucleoporin 37; minus strand). Cytogenetic location: 12q23.2.
Variant type: single nucleotide variant.
Coding change: c.916C>T on transcript NM_024057.4 (MANE Select); coding-DNA position 916, C replaced by T.
Protein change: p.Arg306Ter; replaces arginine 306 with a stop codon.
Molecular consequence: nonsense.
Genome position (GRCh38, 1-based): chr12:102,074,419, G>A on the plus strand (C>T on the coding strand, the complement: NUP37 is on the minus strand). VCF-style: chr12-102074419-G-A. GRCh37 (hg19) VCF-style: chr12-102468197-G-A.
Other names: short protein forms R306*.
Identifiers: ClinVar variation 590329 (VCV000590329.2), dbSNP rs746341112, ClinGen allele CA6747508.